The following is an entry in ClinVar:

NM_170754.4(TNS2):c.1148G>A (p.Arg383Gln)

Gene: TNS2 (tensin 2; plus strand). Cytogenetic location: 12q13.13.
Variant type: single nucleotide variant.
Coding change: c.1148G>A on transcript NM_170754.4 (MANE Select); coding-DNA position 1148, G replaced by A.
Protein change: p.Arg383Gln; replaces arginine 383 with glutamine.
Molecular consequence: missense variant.
Genome position (GRCh38, 1-based): chr12:53,058,368, G>A. VCF-style: chr12-53058368-G-A. GRCh37 (hg19) VCF-style: chr12-53452152-G-A.
Other names: c.1148G>A, p.Arg383Gln (NM_001416202.1, NM_001416204.1); c.1079G>A, p.Arg360Gln (NM_001416203.1, NM_015319.3); c.776G>A, p.Arg259Gln (NM_198316.2); short protein forms R383Q, R259Q, R393Q, R360Q.
Identifiers: ClinVar variation 2194224 (VCV002194224.5), dbSNP rs145598644, ClinGen allele CA6592221.

ClinVar aggregate classification (germline): Uncertain significance. Review status: criteria provided, multiple submitters, no conflicts (2 of 4 stars). 2 submissions from 2 submitters: Uncertain significance (2). Last evaluated 2025-10-26.

Allele frequency attached by ClinVar (database versions not stated): gnomAD 0.00003; ExAC 0.00004; TOPMed 0.00005; ESP Exome Variant Server 0.00008; gnomAD exomes 0.00008.
gnomAD v4.1: 122 of 1,614,018 alleles (0.0076%); highest among the groups gnomAD compares: Admixed American, 0.013%; no homozygotes.

Submissions (2):

Labcorp Genetics (formerly Invitae), Labcorp
Classification: Uncertain significance. Last evaluated: 2025-10-26. Review status: criteria provided, single submitter. Criteria: Invitae Variant Classification Sherloc (09022015). Collection method: clinical testing. Allele origin: germline.
Comment: This sequence change replaces arginine, which is basic and polar, with glutamine, which is neutral and polar, at codon 393 of the TNS2 protein (p.Arg393Gln). This variant is present in population databases (rs145598644, gnomAD 0.01%). This variant has not been reported in the literature in individuals affected with TNS2-related conditions. ClinVar contains an entry for this variant (Variation ID: 2194224). An algorithm developed to predict the effect of missense changes on protein structure and function (PolyPhen-2) suggests that this variant is likely to be disruptive. In summary, the available evidence is currently insufficient to determine the role of this variant in disease. Therefore, it has been classified as a Variant of Uncertain Significance.

Ambry Genetics
Classification: Uncertain significance. Last evaluated: 2025-08-01. Review status: criteria provided, single submitter. Criteria: Ambry Variant Classification Scheme 2023. Collection method: clinical testing. Allele origin: germline.